The following is an entry in ClinVar:

ClinVar aggregate classification (germline): Uncertain significance. Review status: criteria provided, multiple submitters, no conflicts (2 of 4 stars). 2 submissions from 2 submitters: Uncertain significance (2). Last evaluated 2026-01-22.

Conditions:
Retinitis pigmentosa 20 (RP20). Identifiers: Orphanet 791, MedGen C3151086, MONDO:0013425, OMIM 613794.
Leber congenital amaurosis 2 (LCA2). Also called: AMAUROSIS CONGENITA OF LEBER II; Autosomal Recessive RPE65-Related Retinal Degeneration. Identifiers: Orphanet 65, MedGen C1859844, MONDO:0008765, OMIM 204100. Disease mechanism: loss of function.

Allele frequency attached by ClinVar (database versions not stated): gnomAD exomes below 0.00001; TOPMed below 0.00001; ExAC 0.00004.
gnomAD v4.1: 7 of 1,613,350 alleles (0.00043%); highest among the groups gnomAD compares: Admixed American, 0.01%; no homozygotes.

Submissions (2):

Dasa
Classification: Uncertain significance. Last evaluated: 2026-01-22. Review status: criteria provided, single submitter. Criteria: DASA Assertion Criteria. Collection method: clinical testing. Allele origin: germline.
Comment: NM_000329.3(RPE65):c.101T>C (p.Ile34Thr) is a missense variant that results in the substitution of isoleucine with threonine. This variant is rare in population databases. Computational prediction algorithms are consistent with a deleterious effect. The currently available literature and clinical evidence are not sufficient to establish a definitive association between this variant and the reported condition. Therefore, this variant is classified as a variant of uncertain significance.

Labcorp Genetics (formerly Invitae), Labcorp
Classification: Uncertain significance for Leber congenital amaurosis 2; Retinitis pigmentosa 20. Last evaluated: 2022-07-04. Review status: criteria provided, single submitter. Criteria: Invitae Variant Classification Sherloc (09022015). Collection method: clinical testing. Allele origin: germline.
Comment: This sequence change replaces isoleucine, which is neutral and non-polar, with threonine, which is neutral and polar, at codon 34 of the RPE65 protein (p.Ile34Thr). This variant is present in population databases (rs748456353, gnomAD 0.02%). This variant has not been reported in the literature in individuals affected with RPE65-related conditions. Algorithms developed to predict the effect of missense changes on protein structure and function are either unavailable or do not agree on the potential impact of this missense change (SIFT: "Deleterious"; PolyPhen-2: "Possibly Damaging"; Align-GVGD: "Class C0"). In summary, the available evidence is currently insufficient to determine the role of this variant in disease. Therefore, it has been classified as a Variant of Uncertain Significance.

NM_000329.3(RPE65):c.101T>C (p.Ile34Thr)

Gene: RPE65 (retinoid isomerohydrolase RPE65; minus strand). Cytogenetic location: 1p31.3.
Variant type: single nucleotide variant.
Coding change: c.101T>C on transcript NM_000329.3 (MANE Select); coding-DNA position 101, T replaced by C.
Protein change: p.Ile34Thr; replaces isoleucine 34 with threonine.
Molecular consequence: missense variant.
Genome position (GRCh38, 1-based): chr1:68,446,854, A>G on the plus strand (T>C on the coding strand, the complement: RPE65 is on the minus strand). VCF-style: chr1-68446854-A-G. GRCh37 (hg19) VCF-style: chr1-68912537-A-G.
Other names: c.101T>C, p.Ile34Thr (NM_001406853.1, NM_001406859.1, NM_001406860.1); c.-176T>C (NM_001406857.1); short protein forms I34T.
Identifiers: ClinVar variation 2162210 (VCV002162210.3), dbSNP rs748456353, ClinGen allele CA902596.
Genomic context (GRCh38, chr1:68,446,854, plus strand): 5'-GATCCAACTTCAAAGAGTCCTGGCCCACATCGAAGGAGACTGCCGGTGAGCCAGAGGGGG[A>G]TCCTGCCTGTGATGAAGGGGAGACAGAACATTGCTTCTTATCCCTGCCTTGGGCTAGGCT-3'
Protein context (NP_000320.1, residues 24-44): SPLTAHVTGR[Ile34Thr]PLWLTGSLLR